The following is an entry in ClinVar:

NM_001017420.3(ESCO2):c.834C>T (p.Ser278=)

Gene: ESCO2 (establishment of sister chromatid cohesion N-acetyltransferase 2; plus strand). Cytogenetic location: 8p21.1.
Variant type: single nucleotide variant.
Coding change: c.834C>T on transcript NM_001017420.3 (MANE Select); coding-DNA position 834, C replaced by T.
Protein change: p.Ser278=; no amino-acid change (serine 278 retained).
Molecular consequence: synonymous variant.
Genome position (GRCh38, 1-based): chr8:27,777,142, C>T. VCF-style: chr8-27777142-C-T. GRCh37 (hg19) VCF-style: chr8-27634659-C-T.
Identifiers: ClinVar variation 3045897 (VCV003045897.2), dbSNP rs966638854, ClinGen allele CA174253727.
Genomic context (GRCh38, chr8:27,777,142, plus strand): 5'-GCAAGTGCCAAAGTGCTTGGTCCTAGAAGAGAAATTGAAAATTGGACTACTGAGTGCAAG[C>T]AGTAAAAATAAAGAGAAATTAATAAAGGTAAAGCTAAATATATCACTTTAAAAATGGCTG-3'
Protein context (NP_001017420.1, residues 268-288): EKLKIGLLSA[Ser278=]SKNKEKLIKD

ClinVar aggregate classification (germline): Likely benign (0 of 4 stars; one submission).

Conditions:
ESCO2-related disorder. Also called: ESCO2-related condition.

Submission:

PreventionGenetics, part of Exact Sciences
Classification: Likely benign for ESCO2-related condition. Last evaluated: 2022-03-01. Review status: no assertion criteria provided. Collection method: clinical testing. Allele origin: germline.
Comment: This variant is classified as likely benign based on ACMG/AMP sequence variant interpretation guidelines (Richards et al. 2015 PMID: 25741868, with internal and published modifications).